The following is an entry in ClinVar:

NM_001927.4(DES):c.1285C>T (p.Arg429Ter)

Gene: DES (desmin; plus strand). Cytogenetic location: 2q35.
Variant type: single nucleotide variant.
Coding change: c.1285C>T on transcript NM_001927.4 (MANE Select); coding-DNA position 1285, C replaced by T.
Protein change: p.Arg429Ter; replaces arginine 429 with a stop codon.
Molecular consequence: nonsense.
Genome position (GRCh38, 1-based): chr2:219,423,817, C>T. VCF-style: chr2-219423817-C-T. GRCh37 (hg19) VCF-style: chr2-220288539-C-T.
Other names: short protein forms R429*.
Identifiers: ClinVar variation 177872 (VCV000177872.27), dbSNP rs150974575, ClinGen allele CA273504.

ClinVar aggregate classification (germline): Conflicting classifications of pathogenicity. Review status: criteria provided, conflicting classifications (1 of 4 stars). 10 submissions from 10 submitters: Pathogenic (5); Likely pathogenic (1); Uncertain significance (1). 3 of the submissions do not count toward it. Last evaluated 2025-12-31.

Conditions:
Primary familial dilated cardiomyopathy (FDC). Also called: Familial dilated cardiomyopathy; Hypokinetic dilated cardiomyopathy, familial. Identifiers: Orphanet 217607, MedGen C0340427, MONDO:0016333.
Cardiovascular phenotype. Identifiers: MedGen CN230736.
DES-related disorders.
Desmin-related myofibrillar myopathy (MFM1). Also called: Desminopathy; MYOFIBRILLAR MYOPATHY WITH ARRHYTHMOGENIC RIGHT VENTRICULAR CARDIOMYOPATHY; DESMIN-RELATED MYOPATHY WITH ARRHYTHMOGENIC RIGHT VENTRICULAR CARDIOMYOPATHY; Desmin related myopathy (former name); Desmin storage myopathy (former name); Myofibrillar myopathy 1. Identifiers: Orphanet 363543, Orphanet 98909, MedGen C1832370, MONDO:0011076, OMIM 601419.
Neuromuscular disease. Also called: Neuromyopathy; Neuromuscular disorder. Identifiers: Orphanet 68381, MedGen C0027868, MeSH D009468, MONDO:0019056.
Primary dilated cardiomyopathy (DCM). Also called: Dilated Cardiomyopathy. Identifiers: Orphanet 217604, MedGen C0007193, MeSH D002311, MONDO:0005021, HP:0001644. Inheritance: Various modes of inheritance.

Allele frequency attached by ClinVar (database versions not stated): gnomAD exomes 0.00001; ExAC 0.00002; ESP Exome Variant Server 0.00008.
gnomAD v4.1: 9 of 1,613,872 alleles (0.00056%); highest among the groups gnomAD compares: Non-Finnish European, 0.00068%; no homozygotes.

Submissions (10):

Labcorp Genetics (formerly Invitae), Labcorp
Classification: Pathogenic for Desmin-related myofibrillar myopathy. Last evaluated: 2025-12-31. Review status: criteria provided, single submitter. Criteria: Invitae Variant Classification Sherloc (09022015). Collection method: clinical testing. Allele origin: germline.
Comment: This sequence change creates a premature translational stop signal (p.Arg429*) in the DES gene. It is expected to result in an absent or disrupted protein product. Loss-of-function variants in DES are known to be pathogenic (PMID: 23575897). This variant is present in population databases (rs150974575, gnomAD 0.006%). This premature translational stop signal has been observed in individual(s) with autosomal recessive DES-related conditions (PMID: 23815709, 25590979). ClinVar contains an entry for this variant (Variation ID: 177872). For these reasons, this variant has been classified as Pathogenic.

Ambry Genetics
Classification: Uncertain significance for Cardiovascular phenotype. Last evaluated: 2025-07-31. Review status: criteria provided, single submitter. Criteria: Ambry Variant Classification Scheme 2023. Collection method: clinical testing. Allele origin: germline.
Comment: The p.R429* variant (also known as c.1285C>T), located in coding exon 7 of the DES gene, results from a C to T substitution at nucleotide position 1285. This changes the amino acid from an arginine to a stop codon within coding exon 7. This variant has been identified in the homozygous state and/or in conjunction with other DES variant(s) in individual(s) with features consistent with autosomal recessive DES-related myofibrillar myopathy; in at least one instance, the variants were identified in trans (McLaughlin HM et al. BMC Med Genet, 2013 Jul;14:68; Bourfiss M et al. Circ Genom Precis Med, 2022 Dec;15:e003704). This alteration is expected to result in loss of function by premature protein truncation or nonsense-mediated mRNA decay. Although biallelic loss of function of DES has been associated with autosomal recessive DES-related myofibrillar myopathy, haploinsufficiency of DES has not been established as a mechanism of disease for autosomal dominant DES-related myopathy. Based on the supporting evidence, this variant is expected to be causative of autosomal recessive DES-related myofibrillar myopathy when present along with a second pathogenic variant on the other allele; however, its clinical significance for DES-related myopathy is unclear.

GeneDx
Classification: Pathogenic. Last evaluated: 2023-06-30. Review status: criteria provided, single submitter. Criteria: GeneDx Variant Classification Process June 2021. Collection method: clinical testing. Allele origin: germline. Affected: yes.
Comment: Nonsense variant predicted to result in protein truncation or nonsense mediated decay in a gene for which loss of function is a known mechanism of disease; Not observed at significant frequency in large population cohorts (gnomAD); This variant is associated with the following publications: (PMID: 33874732, 24503780, 31402444, 27532257, 25590979, 23815709)

Women's Health and Genetics/Laboratory Corporation of America, LabCorp
Classification: Pathogenic for Primary familial dilated cardiomyopathy. Last evaluated: 2022-11-21. Review status: criteria provided, single submitter. Criteria: LabCorp Variant Classification Summary - May 2015. Collection method: clinical testing. Allele origin: germline.
Comment: Variant summary: DES c.1285C>T (p.Arg429X) results in a premature termination codon, predicted to cause a truncation of the encoded protein or absence of the protein due to nonsense mediated decay. Truncations downstream of this position have been reported in association with cardiomyopathy in HGMD. The variant allele was found at a frequency of 1.2e-05 in 251480 control chromosomes. c.1285C>T has been reported in the literature in individuals affected with skeletal myopathy and cardiomyopathy, in addition to other features, in two unrelated individuals who also carried second truncating DES mutations, and in both cases the individuals had a family history of the phenotype (McLaughlin_2013, Zhu_2015). While DES variants are most commonly autosomal dominant or de novo dominant missense mutations, a few rare cases of autosomal recessive desminopathy have been described ranging from severe infantile to adult-onset, with variable phenotypic presentations affecting skeletal, cardiac and smooth muscle. These data indicate that the variant is likely to be associated with disease. To our knowledge, no experimental evidence demonstrating an impact on protein function has been reported. Three clinical diagnostic laboratories have submitted clinical-significance assessments for this variant to ClinVar after 2014 without evidence for independent evaluation. All laboratories classified the variant as pathogenic. Based on the evidence outlined above, the variant was classified as pathogenic.

Blueprint Genetics
Classification: Pathogenic for DES-related disorders. Last evaluated: 2021-07-06. Review status: criteria provided, single submitter. Criteria: ACMG Guidelines, 2015. Collection method: clinical testing. Allele origin: germline. Affected: yes. Observed: 1 variant allele.

Eurofins Ntd Llc (ga)
Classification: Pathogenic. Last evaluated: 2016-08-04. Review status: criteria provided, single submitter. Criteria: EGL Classification Definitions 2015. Collection method: clinical testing. Allele origin: germline. Observed: 1 variant allele, 1 heterozygote.

Laboratory for Molecular Medicine, Mass General Brigham Personalized Medicine
Classification: Likely pathogenic for Primary dilated cardiomyopathy; Desmin-related myofibrillar myopathy; Neuromuscular disease. Last evaluated: 2013-06-12. Review status: criteria provided, single submitter. Criteria: LMM Criteria. Collection method: clinical testing. Allele origin: germline. Inheritance: Autosomal recessive inheritance. Observed: 5 variant alleles.
Comment: The Arg429X variant in DES has not been previously reported in individuals with isolated cardiomyopathy, but has been identified in 1/8600 European American chr omosomes from a broad population by the NHLBI Exome Sequencing Project (dbSNP rs150974575). It has also been identified by ou r laboratory in 1 family, where it was present in trans with a second DES varian t (frameshift) in 2 individuals with features consistent with a desminopathy. Ea ch unaffected parent carried 1 of the variants, which is suggestive of recessive inheritance. This variant leads to a premature termination codon at position 42 9, which is predicted to lead to a truncated or absent protein. The spectrum of reported DES variants includes several similar variants (nonsense, splice, frame shift; Park 2000, Schroeder 2003, Dunand 2009, Hong 2011, Wahbi 2011). While one of these variants (Dunand 2009) showed clear autosomal dominant inheritance, th is could not be conclusively established for the other variants. In summary, thi s variant is likely to cause disease when present with a second DES variant, but additional studies are needed to fully establish its clinical significance.

Clinical Genetics DNA and cytogenetics Diagnostics Lab, Erasmus MC, Erasmus Medical Center
Classification: Pathogenic. Review status: no assertion criteria provided. Collection method: clinical testing. Allele origin: germline. Affected: yes. Study: VKGL Data-share Consensus. Not counted in ClinVar's aggregate classification.

Genome Diagnostics Laboratory, University Medical Center Utrecht
Classification: Likely pathogenic. Review status: no assertion criteria provided. Collection method: clinical testing. Allele origin: germline. Affected: yes. Study: VKGL Data-share Consensus. Not counted in ClinVar's aggregate classification.

Joint Genome Diagnostic Labs from Nijmegen and Maastricht, Radboudumc and MUMC+
Classification: Pathogenic. Review status: no assertion criteria provided. Collection method: clinical testing. Allele origin: germline. Affected: yes. Study: VKGL Data-share Consensus. Not counted in ClinVar's aggregate classification.

Literature cited by the submitters: PubMed 23575897 (cited by Labcorp Genetics (formerly Invitae), Labcorp); PubMed 23815709 (cited by 5 submitters); PubMed 25590979 (cited by 4 submitters); PubMed 33874732 (cited by Ambry Genetics and Women's Health and Genetics/Laboratory Corporation of America, LabCorp); PubMed 36264615 (cited by Ambry Genetics); PubMed 24503780 (cited by Women's Health and Genetics/Laboratory Corporation of America, LabCorp and Eurofins Ntd Llc (ga)); PubMed 14724127 (cited by Laboratory for Molecular Medicine, Mass General Brigham Personalized Medicine); PubMed 19587455 (cited by Laboratory for Molecular Medicine, Mass General Brigham Personalized Medicine); PubMed 12620971 (cited by Laboratory for Molecular Medicine, Mass General Brigham Personalized Medicine); PubMed 11073539 (cited by Laboratory for Molecular Medicine, Mass General Brigham Personalized Medicine); PubMed 19716701 (cited by Laboratory for Molecular Medicine, Mass General Brigham Personalized Medicine); PubMed 20696008 (cited by Laboratory for Molecular Medicine, Mass General Brigham Personalized Medicine); PubMed 22153487 (cited by Laboratory for Molecular Medicine, Mass General Brigham Personalized Medicine); PubMed 10717012 (cited by Laboratory for Molecular Medicine, Mass General Brigham Personalized Medicine).